The following is an entry in ClinVar:

ClinVar aggregate classification (germline): Uncertain significance (1 of 4 stars; one submission).

Submission:

Labcorp Genetics (formerly Invitae), Labcorp
Classification: Uncertain significance. Last evaluated: 2022-06-08. Review status: criteria provided, single submitter. Criteria: Invitae Variant Classification Sherloc (09022015). Collection method: clinical testing. Allele origin: germline.
Comment: In summary, the available evidence is currently insufficient to determine the role of this variant in disease. Therefore, it has been classified as a Variant of Uncertain Significance. Algorithms developed to predict the effect of missense changes on protein structure and function output the following: SIFT: "Tolerated"; PolyPhen-2: "Benign"; Align-GVGD: "Class C0". The isoleucine amino acid residue is found in multiple mammalian species, which suggests that this missense change does not adversely affect protein function. This variant has not been reported in the literature in individuals affected with HMCN1-related conditions. This variant is not present in population databases (gnomAD no frequency). This sequence change replaces valine, which is neutral and non-polar, with isoleucine, which is neutral and non-polar, at codon 3583 of the HMCN1 protein (p.Val3583Ile).

NM_031935.3(HMCN1):c.10747G>A (p.Val3583Ile)

Gene: HMCN1 (hemicentin 1; plus strand). Cytogenetic location: 1q31.1.
Variant type: single nucleotide variant.
Coding change: c.10747G>A on transcript NM_031935.3 (MANE Select); coding-DNA position 10747, G replaced by A.
Protein change: p.Val3583Ile; replaces valine 3583 with isoleucine.
Molecular consequence: missense variant.
Genome position (GRCh38, 1-based): chr1:186,103,645, G>A. VCF-style: chr1-186103645-G-A. GRCh37 (hg19) VCF-style: chr1-186072777-G-A.
Other names: short protein forms V3583I.
Identifiers: ClinVar variation 1963681 (VCV001963681.5), dbSNP rs768847977, ClinGen allele CA343935540.